The following is an entry in ClinVar:

ClinVar aggregate classification (germline): Uncertain significance. Review status: criteria provided, single submitter (1 of 4 stars). 2 submissions from 2 submitters: Uncertain significance (1). 1 of the submissions does not count toward it. Last evaluated 2022-08-09.

Conditions:
Late-infantile neuronal ceroid lipofuscinosis. Also called: Jansky-Bielschowsky disease. Identifiers: MedGen C0022340, MONDO:0015674.
Neuronal ceroid lipofuscinosis 7 (CLN7). Also called: MFSD8-Related Neuronal Ceroid-Lipofuscinosis. Identifiers: Orphanet 168491, Orphanet 228366, MedGen C1838571, MONDO:0012588, OMIM 610951.

Allele frequency attached by ClinVar (database versions not stated): gnomAD exomes below 0.00001; TOPMed below 0.00001; gnomAD 0.00001.
gnomAD v4.1: 2 of 1,613,576 alleles (0.00012%); highest among the groups gnomAD compares: Admixed American, 0.0033%; no homozygotes.

Submissions (2):

Labcorp Genetics (formerly Invitae), Labcorp
Classification: Uncertain significance for Neuronal ceroid lipofuscinosis 7. Last evaluated: 2022-08-09. Review status: criteria provided, single submitter. Criteria: Invitae Variant Classification Sherloc (09022015). Collection method: clinical testing. Allele origin: germline.
Comment: This sequence change replaces proline, which is neutral and non-polar, with serine, which is neutral and polar, at codon 260 of the MFSD8 protein (p.Pro260Ser). This variant is present in population databases (no rsID available, gnomAD 0.003%). This variant has not been reported in the literature in individuals affected with MFSD8-related conditions. ClinVar contains an entry for this variant (Variation ID: 841752). Algorithms developed to predict the effect of missense changes on protein structure and function output the following: SIFT: "Tolerated"; PolyPhen-2: "Benign"; Align-GVGD: "Class C0". The serine amino acid residue is found in multiple mammalian species, which suggests that this missense change does not adversely affect protein function. In summary, the available evidence is currently insufficient to determine the role of this variant in disease. Therefore, it has been classified as a Variant of Uncertain Significance.

Natera, Inc.
Classification: Uncertain significance for Late-infantile neuronal ceroid lipofuscinosis. Last evaluated: 2021-06-18. Review status: no assertion criteria provided. Collection method: clinical testing. Allele origin: germline. Not counted in ClinVar's aggregate classification.

NM_001371596.2(MFSD8):c.778C>T (p.Pro260Ser)

Gene: MFSD8 (major facilitator superfamily domain containing 8; minus strand). Cytogenetic location: 4q28.2.
Variant type: single nucleotide variant.
Coding change: c.778C>T on transcript NM_001371596.2 (MANE Select); coding-DNA position 778, C replaced by T.
Protein change: p.Pro260Ser; replaces proline 260 with serine.
Molecular consequence: missense variant.
Genome position (GRCh38, 1-based): chr4:127,933,070, G>A on the plus strand (C>T on the coding strand, the complement: MFSD8 is on the minus strand). VCF-style: chr4-127933070-G-A. GRCh37 (hg19) VCF-style: chr4-128854225-G-A.
Other names: c.577C>T, p.Pro193Ser (NM_001363520.3); c.463C>T, p.Pro155Ser (NM_001363521.3); c.643C>T, p.Pro215Ser (NM_001371590.2); c.778C>T, p.Pro260Ser (NM_001371591.2, NM_152778.4); c.784C>T, p.Pro262Ser (NM_001371592.2); c.664C>T, p.Pro222Ser (NM_001371593.2, NM_001410766.1); c.631C>T, p.Pro211Ser (NM_001371594.2); c.496C>T, p.Pro166Ser (NM_001371595.1); and 1 more; short protein forms P193S, P260S, P155S, P262S, P166S, P211S, P215S, P222S.
Identifiers: ClinVar variation 841752 (VCV000841752.6), dbSNP rs1174831833, ClinGen allele CA358174763.